The following is an entry in ClinVar:

ClinVar aggregate classification (germline): Pathogenic (1 of 4 stars; one submission).

Conditions:
Anemia, nonspherocytic hemolytic, due to G6PD deficiency (CNSHA1). Also called: ANEMIA, CONGENITAL, NONSPHEROCYTIC HEMOLYTIC, 1; Class I glucose-6-phosphate dehydrogenase deficiency; Favism, susceptibility to; Hemolytic anemia due to G6PD deficiency. Identifiers: Orphanet 466026, MedGen C2720289, MONDO:0010480, OMIM 300908.

Submission:

Dunham Lab, University of Washington
Classification: Pathogenic for Anemia, nonspherocytic hemolytic, due to G6PD deficiency. Last evaluated: 2022-08-12. Review status: criteria provided, single submitter. Criteria: Bayesian ACMG Guidelines, 2018. Collection method: curation. Allele origin: unknown.
Comment: Frameshift that introduces stop codon at residue 495 (PVS1). Not found in gnomAD (PM2). Post_P 0.994 (odds of pathogenicity 1516, Prior_P 0.1).

NM_001042351.1(G6PD):c.1054_1055insG

Gene: G6PD (glucose-6-phosphate dehydrogenase; minus strand). Cytogenetic location: Xq28.
Variant type: Duplication.
Coding change: c.1054_1055insG on transcript NM_001042351.1; coding-DNA positions 1054 to 1055, G inserted.
Genome position: GRCh38 VCF-style: chrX-154532799-A-AC. GRCh37 (hg19) VCF-style: chrX-153761014-A-AC.
Identifiers: ClinVar variation 1722646 (VCV001722646.2), dbSNP rs2523263185, ClinGen allele CA2580101794.